The following is an entry in ClinVar:

ClinVar aggregate classification (germline): Uncertain significance (1 of 4 stars; one submission).

Submission:

GeneDx
Classification: Uncertain significance. Last evaluated: 2022-07-14. Review status: criteria provided, single submitter. Criteria: GeneDx Variant Classification Process June 2021. Collection method: clinical testing. Allele origin: germline. Affected: yes.
Comment: Not observed at significant frequency in large population cohorts (gnomAD); In silico analysis supports that this missense variant does not alter protein structure/function; Has not been previously published as pathogenic or benign to our knowledge

NM_001270974.2(HYDIN):c.10694C>T (p.Ser3565Phe)

Gene: HYDIN (HYDIN axonemal central pair apparatus protein; minus strand). Cytogenetic location: 16q22.2.
Variant type: single nucleotide variant.
Coding change: c.10694C>T on transcript NM_001270974.2 (MANE Select); coding-DNA position 10694, C replaced by T.
Protein change: p.Ser3565Phe; replaces serine 3565 with phenylalanine.
Molecular consequence: missense variant.
Genome position (GRCh38, 1-based): chr16:70,874,559, G>A on the plus strand (C>T on the coding strand, the complement: HYDIN is on the minus strand). VCF-style: chr16-70874559-G-A. GRCh37 (hg19) VCF-style: chr16-70908462-G-A.
Other names: short protein forms S3565F.
Identifiers: ClinVar variation 1878859 (VCV001878859.1), dbSNP rs986356363, ClinGen allele CA283514633.
Genomic context (GRCh38, chr16:70,874,559, plus strand): 5'-CTCATCCTCCCAACCTTCTGGGAGTGGAAAACGACATCAAATTCAGCTGTATCTCCAGGA[G>A]AAACAACCAAGGAGGCTGTGTGAGCTTTCTTTGCTGCAAAGAGAAGAGAGAAGATATGAT-3'
Protein context (NP_001257903.1, residues 3555-3575): KKAHTASLVV[Ser3565Phe]PGDTAEFDVV